The following is an entry in ClinVar:

ClinVar aggregate classification (germline): Pathogenic (1 of 4 stars; one submission).

Conditions:
Short-rib thoracic dysplasia 11 with or without polydactyly (SRTD11). Also called: SHORT-RIB THORACIC DYSPLASIA 11 WITHOUT POLYDACTYLY. Identifiers: Orphanet 474, Orphanet 93271, MedGen C3810200, MONDO:0014287, OMIM 615633.

Allele frequency attached by ClinVar (database versions not stated): gnomAD 0.00001.

Submission:

Labcorp Genetics (formerly Invitae), Labcorp
Classification: Pathogenic for Short-rib thoracic dysplasia 11 with or without polydactyly. Last evaluated: 2022-03-09. Review status: criteria provided, single submitter. Criteria: Invitae Variant Classification Sherloc (09022015). Collection method: clinical testing. Allele origin: germline.
Comment: For these reasons, this variant has been classified as Pathogenic. This variant has not been reported in the literature in individuals affected with WDR34-related conditions. This variant is not present in population databases (gnomAD no frequency). This sequence change creates a premature translational stop signal (p.Ser401Leufs*15) in the WDR34 gene. It is expected to result in an absent or disrupted protein product. Loss-of-function variants in WDR34 are known to be pathogenic (PMID: 24183449, 24183451, 28379358).

Literature cited by the submitters: PubMed 24183449; PubMed 24183451; PubMed 28379358.

NM_052844.4(DYNC2I2):c.1198_1201dup (p.Ser401fs)

Genes: DYNC2I2 (dynein 2 intermediate chain 2; minus strand), LOC126860772 (CDK7 strongly-dependent group 2 enhancer GRCh37_chr9:131396972-131398171; plus strand). Cytogenetic location: 9q34.11.
Variant type: Duplication.
Coding change: c.1198_1201dup on transcript NM_052844.4 (MANE Select); coding-DNA positions 1198 to 1201, 4 bases duplicated (TGTT; older notation c.1198_1201dupTGTT).
Protein change: p.Ser401fs; shifts the reading frame from serine 401.
Molecular consequence: frameshift variant.
Genome position (GRCh38, 1-based): chr9:128,634,702-128,634,705, AACA duplicated on the plus strand (TGTT on the coding strand, the reverse complement: DYNC2I2 is on the minus strand). VCF-style (leftmost placement, unchanged base first): chr9-128634701-G-GAACA. GRCh37 (hg19) VCF-style: chr9-131396980-G-GAACA.
Other names: short protein forms S401fs.
Identifiers: ClinVar variation 1681194 (VCV001681194.6), dbSNP rs1860335967, ClinGen allele CA1880372706.
Genomic context (GRCh38, chr9:128,634,701, plus strand): 5'-GGGCAGGGACACCCTGGCCCCACTGTGCCCCAGGCCTGCCCTACGTACCTGTGGAAGGGG[G>GAACA]AACAGCTCACAGAGTAGATGGGACCGCCGTGGGGGGAGAAGGTAAACTGTGCTGGGGCCC-3'